The following is an entry in ClinVar:

NM_005560.6(LAMA5):c.6202C>T (p.Arg2068Cys)

Gene: LAMA5 (laminin subunit alpha 5; minus strand). Cytogenetic location: 20q13.33.
Variant type: single nucleotide variant.
Coding change: c.6202C>T on transcript NM_005560.6 (MANE Select); coding-DNA position 6202, C replaced by T.
Protein change: p.Arg2068Cys; replaces arginine 2068 with cysteine.
Molecular consequence: missense variant.
Genome position (GRCh38, 1-based): chr20:62,322,413, G>A on the plus strand (C>T on the coding strand, the complement: LAMA5 is on the minus strand). VCF-style: chr20-62322413-G-A. GRCh37 (hg19) VCF-style: chr20-60897469-G-A.
Other names: short protein forms R2068C.
Identifiers: ClinVar variation 3350414 (VCV003350414.2).

ClinVar aggregate classification (germline): Uncertain significance. Review status: criteria provided, single submitter (1 of 4 stars). 2 submissions from 2 submitters: Uncertain significance (1). 1 of the submissions does not count toward it. Last evaluated 2026-01-21.

Conditions:
LAMA5-related disorder. Also called: LAMA5-related condition; LAMA5-Related Disorders.

gnomAD v4.1: 86 of 1,592,858 alleles (0.0054%); highest among the groups gnomAD compares: East Asian, 0.021%; 1 homozygote.

Submissions (2):

Labcorp Genetics (formerly Invitae), Labcorp
Classification: Uncertain significance. Last evaluated: 2026-01-21. Review status: criteria provided, single submitter. Criteria: Invitae Variant Classification Sherloc (09022015). Collection method: clinical testing. Allele origin: germline.
Comment: This sequence change replaces arginine, which is basic and polar, with cysteine, which is neutral and slightly polar, at codon 2068 of the LAMA5 protein (p.Arg2068Cys). The frequency data for this variant in the population databases is considered unreliable, as metrics indicate poor data quality at this position in the gnomAD database. This variant has not been reported in the literature in individuals affected with LAMA5-related conditions. ClinVar contains an entry for this variant (Variation ID: 3350414). An algorithm developed to predict the effect of missense changes on protein structure and function (PolyPhen-2) suggests that this variant is likely to be tolerated. In summary, the available evidence is currently insufficient to determine the role of this variant in disease. Therefore, it has been classified as a Variant of Uncertain Significance.

PreventionGenetics, part of Exact Sciences
Classification: Uncertain significance for LAMA5-related condition. Last evaluated: 2024-05-31. Review status: no assertion criteria provided. Collection method: clinical testing. Allele origin: germline. Not counted in ClinVar's aggregate classification.
Comment: The LAMA5 c.6202C>T variant is predicted to result in the amino acid substitution p.Arg2068Cys. To our knowledge, this variant has not been reported in the literature. This variant is reported in 0.029% of alleles in individuals of East Asian descent in gnomAD, including one homozygous individual. Although we suspect that this variant may be benign, at this time, the clinical significance of this variant is uncertain due to the absence of conclusive functional and genetic evidence.